The following is an entry in ClinVar:

NM_201384.3(PLEC):c.6259C>T (p.Arg2087Trp)

Gene: PLEC (plectin; minus strand). Cytogenetic location: 8q24.3.
Variant type: single nucleotide variant.
Coding change: c.6259C>T on transcript NM_201384.3 (MANE Select); coding-DNA position 6259, C replaced by T.
Protein change: p.Arg2087Trp; replaces arginine 2087 with tryptophan.
Molecular consequence: missense variant.
Genome position (GRCh38, 1-based): chr8:143,923,670, G>A on the plus strand (C>T on the coding strand, the complement: PLEC is on the minus strand). VCF-style: chr8-143923670-G-A. GRCh37 (hg19) VCF-style: chr8-144997838-G-A.
Other names: c.6340C>T, p.Arg2114Trp (NM_000445.5); c.6217C>T, p.Arg2073Trp (NM_201378.4); c.6193C>T, p.Arg2065Trp (NM_201379.3); c.6670C>T, p.Arg2224Trp (NM_201380.4); c.6163C>T, p.Arg2055Trp (NM_201381.3); c.6259C>T, p.Arg2087Trp (NM_201382.4); c.6271C>T, p.Arg2091Trp (NM_201383.3); short protein forms R2224W, R2065W, R2055W, R2073W, R2087W, R2091W, R2114W.
Identifiers: ClinVar variation 1382297 (VCV001382297.9), dbSNP rs782738721, ClinGen allele CA4926064.

ClinVar aggregate classification (germline): Uncertain significance. Review status: criteria provided, multiple submitters, no conflicts (2 of 4 stars). 3 submissions from 3 submitters: Uncertain significance (3). Last evaluated 2024-12-02.

Conditions:
Epidermolysis bullosa simplex 5B, with muscular dystrophy (EBS5B). Also called: Epidermolysis bullosa simplex with muscular dystrophy; EPIDERMOLYSIS BULLOSA SIMPLEX AND LIMB-GIRDLE MUSCULAR DYSTROPHY. Identifiers: Orphanet 257, MedGen C2931072, MONDO:0009181, OMIM 226670.
Epidermolysis bullosa simplex, Ogna type (EBS5A). Also called: Pidermolysis bullosa simplex 5A, Ogna type; EPIDERMOLYSIS BULLOSA SIMPLEX 5A, OGNA TYPE. Identifiers: Orphanet 79401, MedGen C0432317, MONDO:0007555, OMIM 131950.
Autosomal recessive limb-girdle muscular dystrophy type 2Q (LGMDR17). Also called: MUSCULAR DYSTROPHY, LIMB-GIRDLE, AUTOSOMAL RECESSIVE 17. Identifiers: Orphanet 254361, MedGen C3150989, MONDO:0013390, OMIM 613723.
Epidermolysis bullosa simplex with nail dystrophy (EBS5D). Identifiers: MedGen C4225309, MONDO:0014661, OMIM 616487.
Epidermolysis bullosa simplex 5C, with pyloric atresia (EBS5C). Also called: Epidermolysis bullosa simplex with pyloric atresia; PLEC-Related Epidermolysis Bullosa with Pyloric Atresia; PLEC1-Related Epidermolysis Bullosa with Pyloric Atresia. Identifiers: Orphanet 158684, MedGen C2677349, MONDO:0012807, OMIM 612138.

Allele frequency attached by ClinVar (database versions not stated): gnomAD 0.00001 and 0.00002; gnomAD exomes 0.00002 and 0.00003; TOPMed 0.00002; ExAC 0.00006.
gnomAD v4.1: 26 of 1,559,146 alleles (0.0017%); highest among the groups gnomAD compares: Middle Eastern, 0.018%; no homozygotes.

Submissions (3):

Labcorp Genetics (formerly Invitae), Labcorp
Classification: Uncertain significance for Autosomal recessive limb-girdle muscular dystrophy type 2Q; Epidermolysis bullosa simplex, Ogna type; Epidermolysis bullosa simplex with nail dystrophy; Epidermolysis bullosa simplex 5C, with pyloric atresia; Epidermolysis bullosa simplex 5B, with muscular dystrophy. Last evaluated: 2024-12-02. Review status: criteria provided, single submitter. Criteria: Invitae Variant Classification Sherloc (09022015). Collection method: clinical testing. Allele origin: germline.
Comment: This sequence change replaces arginine, which is basic and polar, with tryptophan, which is neutral and slightly polar, at codon 2114 of the PLEC protein (p.Arg2114Trp). The frequency data for this variant in the population databases is considered unreliable, as metrics indicate poor data quality at this position in the gnomAD database. This variant has not been reported in the literature in individuals affected with PLEC-related conditions. ClinVar contains an entry for this variant (Variation ID: 1382297). An algorithm developed to predict the effect of missense changes on protein structure and function (PolyPhen-2) suggests that this variant is likely to be tolerated. In summary, the available evidence is currently insufficient to determine the role of this variant in disease. Therefore, it has been classified as a Variant of Uncertain Significance.

Revvity Omics, Revvity
Classification: Uncertain significance. Last evaluated: 2021-12-07. Review status: criteria provided, single submitter. Criteria: ACMG Guidelines, 2015. Collection method: clinical testing. Allele origin: germline.

Breakthrough Genomics
Classification: Uncertain significance. Review status: criteria provided, single submitter. Criteria: ACMG Guidelines, 2015. Collection method: not provided. Allele origin: germline. Inheritance: Autosomal recessive inheritance. Affected: yes.